The following is an entry in ClinVar:

NM_001111125.3(IQSEC2):c.738-10820C>T

Gene: IQSEC2 (IQ motif and Sec7 domain ArfGEF 2; minus strand). Cytogenetic location: Xp11.22.
Variant type: single nucleotide variant.
Coding change: c.738-10820C>T on transcript NM_001111125.3 (MANE Select); 10820 bases into the intron before coding-DNA position 738, C replaced by T.
Molecular consequence: intron variant. On other transcripts: 3 prime UTR variant (1).
Genome position (GRCh38, 1-based): chrX:53,266,881, G>A on the plus strand (C>T on the coding strand, the complement: IQSEC2 is on the minus strand). VCF-style: chrX-53266881-G-A. GRCh37 (hg19) VCF-style: chrX-53296063-G-A.
Other names: c.*84C>T (NM_001243197.2); c.738-10820C>T (NM_001410736.1); c.123-10820C>T (NM_015075.2).
Identifiers: ClinVar variation 3905617 (VCV003905617.10).

ClinVar aggregate classification (germline): Likely benign (1 of 4 stars; one submission).

Submission:

CeGaT Center for Human Genetics Tuebingen
Classification: Likely benign. Last evaluated: 2025-06-01. Review status: criteria provided, single submitter. Criteria: CeGaT Center For Human Genetics Tuebingen Variant Classification Criteria Version 2. Collection method: clinical testing. Allele origin: germline. Affected: yes. Observed: 1 variant allele.
Comment: IQSEC2: BP4, BP7